The following is an entry in ClinVar:

NM_000455.5(STK11):c.1109-20A>T

Gene: STK11 (serine/threonine kinase 11; plus strand). Cytogenetic location: 19p13.3.
Variant type: single nucleotide variant.
Coding change: c.1109-20A>T on transcript NM_000455.5 (MANE Select); 20 bases into the intron before coding-DNA position 1109, A replaced by T.
Molecular consequence: intron variant.
Genome position (GRCh38, 1-based): chr19:1,226,434, A>T. VCF-style: chr19-1226434-A-T. GRCh37 (hg19) VCF-style: chr19-1226433-A-T.
Identifiers: ClinVar variation 2816360 (VCV002816360.4), dbSNP rs2145435720, ClinGen allele CA2735564521.

ClinVar aggregate classification (germline): Likely benign. Review status: criteria provided, multiple submitters, no conflicts (2 of 4 stars). 2 submissions from 2 submitters: Likely benign (2). Last evaluated 2025-03-28.

Conditions:
Peutz-Jeghers syndrome (PJS). Also called: POLYPOSIS, HAMARTOMATOUS INTESTINAL; POLYPS-AND-SPOTS SYNDROME; Peutz-Jeghers polyposis; Periorificial lentiginosis syndrome. Identifiers: Orphanet 2869, MedGen C0031269, MeSH D010580, MONDO:0008280, OMIM 175200.

Submissions (2):

Myriad Genetics, Inc.
Classification: Likely benign for Peutz-Jeghers syndrome. Last evaluated: 2025-03-28. Review status: criteria provided, single submitter. Criteria: Myriad Autosomal Dominant, Autosomal Recessive and X-Linked Classification Criteria (2023). Collection method: clinical testing. Allele origin: unknown.
Comment: This variant is considered likely benign. This variant is intronic and is not expected to impact mRNA splicing.

Labcorp Genetics (formerly Invitae), Labcorp
Classification: Likely benign for Peutz-Jeghers syndrome. Last evaluated: 2023-08-11. Review status: criteria provided, single submitter. Criteria: Invitae Variant Classification Sherloc (09022015). Collection method: clinical testing. Allele origin: germline.